The following is an entry in ClinVar:

ClinVar aggregate classification (germline): Pathogenic/Likely pathogenic. Review status: criteria provided, multiple submitters, no conflicts (2 of 4 stars). 3 submissions from 3 submitters: Pathogenic (1); Likely pathogenic (1). 1 of the submissions does not count toward it. Last evaluated 2023-11-17.

Conditions:
Cockayne syndrome type 1. Also called: Cockayne syndrome type I; Cockayne syndrome classical; Cockayne syndrome classic form. Identifiers: Orphanet 191, Orphanet 90321, MedGen C0751039, MONDO:0019569, OMIM 216400.

Allele frequency attached by ClinVar (database versions not stated): gnomAD exomes 0.00001.
gnomAD v4.1: 2 of 1,542,858 alleles (0.00013%); highest among the groups gnomAD compares: East Asian, 0.0023%; no homozygotes.

Submissions (3):

Labcorp Genetics (formerly Invitae), Labcorp
Classification: Pathogenic. Last evaluated: 2023-11-17. Review status: criteria provided, single submitter. Criteria: Invitae Variant Classification Sherloc (09022015). Collection method: clinical testing. Allele origin: germline.
Comment: This sequence change affects a donor splice site in intron 2 of the ERCC8 gene. It is expected to disrupt RNA splicing. Variants that disrupt the donor or acceptor splice site typically lead to a loss of protein function (PMID: 16199547), and loss-of-function variants in ERCC8 are known to be pathogenic (PMID: 29572252). This variant is present in population databases (no rsID available, gnomAD 0.01%). Disruption of this splice site has been observed in individual(s) with clinical features of Cockayne syndrome (Invitae). In at least one individual the data is consistent with being in trans (on the opposite chromosome) from a pathogenic variant. ClinVar contains an entry for this variant (Variation ID: 554440). Algorithms developed to predict the effect of sequence changes on RNA splicing suggest that this variant may disrupt the consensus splice site. For these reasons, this variant has been classified as Pathogenic.

Revvity Omics, Revvity
Classification: Likely pathogenic. Last evaluated: 2023-05-04. Review status: criteria provided, single submitter. Criteria: ACMG Guidelines, 2015. Collection method: clinical testing. Allele origin: germline.

Counsyl
Classification: Likely pathogenic for Cockayne syndrome type 1. Last evaluated: 2017-10-18. Review status: no assertion criteria provided. Collection method: clinical testing. Allele origin: unknown. Not counted in ClinVar's aggregate classification.

Literature cited by the submitters: PubMed 16199547 (cited by Labcorp Genetics (formerly Invitae), Labcorp); PubMed 29572252 (cited by Labcorp Genetics (formerly Invitae), Labcorp).

NM_000082.4(ERCC8):c.173+1G>A

Gene: ERCC8 (ERCC excision repair 8, CSA ubiquitin ligase complex subunit; minus strand). Cytogenetic location: 5q12.1.
Variant type: single nucleotide variant.
Coding change: c.173+1G>A on transcript NM_000082.4 (MANE Select); the canonical splice donor site of the intron after coding-DNA position 173, G replaced by A.
Molecular consequence: splice donor variant.
Genome position (GRCh38, 1-based): chr5:60,928,863, C>T on the plus strand (G>A on the coding strand, the complement: ERCC8 is on the minus strand). VCF-style: chr5-60928863-C-T. GRCh37 (hg19) VCF-style: chr5-60224690-C-T.
Other names: c.-220+1G>A (NM_001007233.3); c.-205+1G>A (NM_001290285.2); c.173+1G>A (NM_001007234.3).
Identifiers: ClinVar variation 554440 (VCV000554440.11), dbSNP rs1476095782, ClinGen allele CA359828672.